The following is an entry in ClinVar:

ClinVar aggregate classification (germline): Uncertain significance (1 of 4 stars; one submission).

Conditions:
Primary familial hypertrophic cardiomyopathy (HCM). Identifiers: Orphanet 99739, MedGen C0949658, MeSH D024741, MONDO:0024573. Inheritance: Various modes of inheritance.
Hypertrophic cardiomyopathy 25 (CMH25). Also called: CARDIOMYOPATHY, FAMILIAL HYPERTROPHIC, 25. Identifiers: MedGen C4225408, MONDO:0011843, OMIM 607487.

Allele frequency attached by ClinVar (database versions not stated): gnomAD exomes below 0.00001.

Submission:

Labcorp Genetics (formerly Invitae), Labcorp
Classification: Uncertain significance for Hypertrophic cardiomyopathy 25; Primary familial hypertrophic cardiomyopathy. Last evaluated: 2018-05-01. Review status: criteria provided, single submitter. Criteria: Invitae Variant Classification Sherloc (09022015). Collection method: clinical testing. Allele origin: germline.
Comment: This variant has not been reported in the literature in individuals with TCAP-related disease. ClinVar contains an entry for this variant (Variation ID: 410571). This variant is not present in population databases (ExAC no frequency). This sequence change replaces glutamic acid with lysine at codon 115 of the TCAP protein (p.Glu115Lys). The glutamic acid residue is moderately conserved and there is a small physicochemical difference between glutamic acid and lysine. In summary, the available evidence is currently insufficient to determine the role of this variant in disease. Therefore, it has been classified as a Variant of Uncertain Significance. Algorithms developed to predict the effect of missense changes on protein structure and function (SIFT, PolyPhen-2, Align-GVGD) all suggest that this variant is likely to be tolerated, but these predictions have not been confirmed by published functional studies and their clinical significance is uncertain. ClinVar contains an entry for this variant (Variation ID: 410571).

NM_003673.4(TCAP):c.343G>A (p.Glu115Lys)

Gene: TCAP (titin-cap; plus strand). Cytogenetic location: 17q12.
Variant type: single nucleotide variant.
Coding change: c.343G>A on transcript NM_003673.4 (MANE Select); coding-DNA position 343, G replaced by A.
Protein change: p.Glu115Lys; replaces glutamic acid 115 with lysine.
Molecular consequence: missense variant.
Genome position (GRCh38, 1-based): chr17:39,665,948, G>A. VCF-style: chr17-39665948-G-A. GRCh37 (hg19) VCF-style: chr17-37822201-G-A.
Other names: short protein forms E115K.
Identifiers: ClinVar variation 410571 (VCV000410571.9), dbSNP rs1060502965, ClinGen allele CA16615341.